The following is an entry in ClinVar:

ClinVar aggregate classification (germline): Benign/Likely benign. Review status: criteria provided, multiple submitters, no conflicts (2 of 4 stars). 12 submissions from 7 submitters: Benign (2); Likely benign (7). 3 of the submissions do not count toward it. Last evaluated 2026-02-01.

Conditions:
Anophthalmia-microphthalmia syndrome. Also called: Anophthalmia/Microphthalmia; Anophthalmia - microphthalmia. Identifiers: Orphanet 98555, MedGen C5680330, MONDO:0020147.
carboxymethyl-dextran-A2-gadolinium-DOTA.
Aniridia 1 (AN1). Identifiers: Orphanet 250923, MedGen C0344542, MONDO:0024507, OMIM 106210.
Irido-corneo-trabecular dysgenesis (ASGD5). Also called: ANTERIOR SEGMENT DYSGENESIS 5. Identifiers: Orphanet 708, MedGen C0344559, MONDO:0011414, OMIM 604229, HP:0000659.
Autosomal dominant keratitis. Also called: Keratitis, hereditary. Identifiers: Orphanet 2334, MedGen C1835698, MONDO:0007848, OMIM 148190.
11p partial monosomy syndrome (WAGR). Also called: CHROMOSOME 11p13 DELETION SYNDROME; WAGR syndrome; WAGR Complex; WAGR Spectrum Disorder. Identifiers: Orphanet 893, MedGen C0206115, MONDO:0008681, OMIM 194072.
Foveal hypoplasia 1. Also called: FOVEAL HYPOPLASIA 1 WITH OR WITHOUT ANTERIOR SEGMENT ANOMALIES AND/OR CATARACT; FOVEAL HYPOPLASIA 1 WITH ANTERIOR SEGMENT ANOMALIES. Identifiers: Orphanet 2253, MedGen C3805604, MONDO:0007628, OMIM 136520.

Allele frequency attached by ClinVar (database versions not stated): gnomAD exomes 0.00095 and 0.00256; ExAC 0.00313; 1000 Genomes Project 0.01018; ESP Exome Variant Server 0.01061; gnomAD 0.01075 and 0.01168; 1000 Genomes Project 30x 0.01171; TOPMed 0.01184.
gnomAD v4.1: 3,083 of 1,614,150 alleles (0.19%); highest among the groups gnomAD compares: African/African-American, 3.8%; 66 homozygotes.

Submissions (12):

Labcorp Genetics (formerly Invitae), Labcorp
Classification: Benign for Aniridia 1; Irido-corneo-trabecular dysgenesis. Last evaluated: 2026-02-01. Review status: criteria provided, single submitter. Criteria: Invitae Variant Classification Sherloc (09022015). Collection method: clinical testing. Allele origin: germline.

Illumina Laboratory Services, Illumina
Classification: Likely benign for Foveal hypoplasia 1. Last evaluated: 2017-04-27. Review status: criteria provided, single submitter. Criteria: ICSL Variant Classification Criteria 13 December 2019. Collection method: clinical testing. Allele origin: germline.
Comment: This variant was observed as part of a predisposition screen in an ostensibly healthy population. A literature search was performed for the gene, cDNA change, and amino acid change (where applicable). No publications were found based on this search. Allele frequency data from public databases allowed determination this variant is unlikely to cause disease. Therefore, this variant is classified as likely benign.

Illumina Laboratory Services, Illumina
Classification: Likely benign for Anophthalmia-microphthalmia syndrome. Last evaluated: 2017-04-27. Review status: criteria provided, single submitter. Criteria: ICSL Variant Classification Criteria 13 December 2019. Collection method: clinical testing. Allele origin: germline.
Comment: the same text as in the submission from Illumina Laboratory Services, Illumina above.

Illumina Laboratory Services, Illumina
Classification: Likely benign for Wilms tumor, aniridia, genitourinary anomalies, and mental retardation syndrome. Last evaluated: 2017-04-27. Review status: criteria provided, single submitter. Criteria: ICSL Variant Classification Criteria 13 December 2019. Collection method: clinical testing. Allele origin: germline.
Comment: the same text as in the submission from Illumina Laboratory Services, Illumina above.

Illumina Laboratory Services, Illumina
Classification: Likely benign for Autosomal dominant keratitis. Last evaluated: 2017-04-27. Review status: criteria provided, single submitter. Criteria: ICSL Variant Classification Criteria 13 December 2019. Collection method: clinical testing. Allele origin: germline.
Comment: the same text as in the submission from Illumina Laboratory Services, Illumina above.

Illumina Laboratory Services, Illumina
Classification: Likely benign for carboxymethyl-dextran-A2-gadolinium-DOTA. Last evaluated: 2017-04-27. Review status: criteria provided, single submitter. Criteria: ICSL Variant Classification Criteria 13 December 2019. Collection method: clinical testing. Allele origin: germline.
Comment: the same text as in the submission from Illumina Laboratory Services, Illumina above.

Illumina Laboratory Services, Illumina
Classification: Likely benign for Aniridia 1. Last evaluated: 2017-04-27. Review status: criteria provided, single submitter. Criteria: ICSL Variant Classification Criteria 13 December 2019. Collection method: clinical testing. Allele origin: germline.
Comment: the same text as in the submission from Illumina Laboratory Services, Illumina above.

GeneDx
Classification: Benign. Last evaluated: 2016-03-03. Review status: criteria provided, single submitter. Criteria: GeneDx Variant Classification (06012015). Collection method: clinical testing. Allele origin: germline. Affected: yes.
Comment: This variant is considered likely benign or benign based on one or more of the following criteria: it is a conservative change, it occurs at a poorly conserved position in the protein, it is predicted to be benign by multiple in silico algorithms, and/or has population frequency not consistent with disease.

Breakthrough Genomics
Classification: Likely benign. Review status: criteria provided, single submitter. Criteria: ACMG Guidelines, 2015. Collection method: not provided. Allele origin: germline. Inheritance: Autosomal dominant inheritance. Affected: yes.

Clinical Genetics, Academic Medical Center
Classification: Benign. Review status: no assertion criteria provided. Collection method: clinical testing. Allele origin: germline. Affected: yes. Study: VKGL Data-share Consensus. Not counted in ClinVar's aggregate classification.

Genome Diagnostics Laboratory, University Medical Center Utrecht
Classification: Benign. Review status: no assertion criteria provided. Collection method: clinical testing. Allele origin: germline. Affected: yes. Study: VKGL Data-share Consensus. Not counted in ClinVar's aggregate classification.

Laboratory of Diagnostic Genome Analysis, Leiden University Medical Center (LUMC)
Classification: Likely benign. Review status: no assertion criteria provided. Collection method: clinical testing. Allele origin: germline. Affected: yes. Study: VKGL Data-share Consensus. Not counted in ClinVar's aggregate classification.

NM_001368894.2(PAX6):c.369G>A (p.Glu123=)

Gene: PAX6 (paired box 6; minus strand). Cytogenetic location: 11p13.
Variant type: single nucleotide variant.
Coding change: c.369G>A on transcript NM_001368894.2 (MANE Select); coding-DNA position 369, G replaced by A.
Protein change: p.Glu123=; no amino-acid change (glutamic acid 123 retained).
Molecular consequence: synonymous variant. On other transcripts: 5 prime UTR variant (14), non-coding transcript variant (2), intron variant (8).
Genome position (GRCh38, 1-based): chr11:31,801,591, C>T on the plus strand (G>A on the coding strand, the complement: PAX6 is on the minus strand). VCF-style: chr11-31801591-C-T. GRCh37 (hg19) VCF-style: chr11-31823139-C-T.
Other names: c.327G>A, p.Glu109= (NM_000280.6, NM_001127612.3, NM_001258464.2 and 10 more transcripts); c.369G>A, p.Glu123= (NM_001258462.3, NM_001258463.2, NM_001310158.2 and 6 more transcripts); c.-413G>A (NM_001310160.2, NM_001368902.2, NM_001368905.2); c.-82G>A (NM_001310161.3, NM_001368899.2, NM_001368900.2 and 8 more transcripts); c.570G>A, p.Glu190= (NM_001368910.2); c.372G>A, p.Glu124= (NM_001368911.2); c.444G>A, p.Glu148= (NM_001368918.2, NM_001368919.2); c.402G>A, p.Glu134= (NM_001368920.2); and 2 more.
Identifiers: ClinVar variation 304359 (VCV000304359.20), dbSNP rs114384476, ClinGen allele CA5933917.